The following is an entry in ClinVar:

ClinVar aggregate classification (germline): Uncertain significance (1 of 4 stars; one submission).

gnomAD v4.1: 2 of 1,614,160 alleles (0.00012%); highest among the groups gnomAD compares: Admixed American, 0.0017%; no homozygotes.

Submission:

GeneDx
Classification: Uncertain significance. Last evaluated: 2022-04-04. Review status: criteria provided, single submitter. Criteria: GeneDx Variant Classification Process June 2021. Collection method: clinical testing. Allele origin: germline. Affected: yes.
Comment: Not observed at significant frequency in large population cohorts (gnomAD); In silico analysis supports that this missense variant does not alter protein structure/function; Has not been previously published as pathogenic or benign to our knowledge

NM_001127671.2(LIFR):c.2986G>A (p.Val996Ile)

Gene: LIFR (LIF receptor subunit alpha; minus strand). Cytogenetic location: 5p13.1.
Variant type: single nucleotide variant.
Coding change: c.2986G>A on transcript NM_001127671.2 (MANE Select); coding-DNA position 2986, G replaced by A.
Protein change: p.Val996Ile; replaces valine 996 with isoleucine.
Molecular consequence: missense variant.
Genome position (GRCh38, 1-based): chr5:38,481,903, C>T on the plus strand (G>A on the coding strand, the complement: LIFR is on the minus strand). VCF-style: chr5-38481903-C-T. GRCh37 (hg19) VCF-style: chr5-38482005-C-T.
Other names: c.2986G>A, p.Val996Ile (NM_001364297.2, NM_002310.6); c.2953G>A, p.Val985Ile (NM_001364298.2); short protein forms V985I, V996I.
Identifiers: ClinVar variation 1708656 (VCV001708656.2), dbSNP rs1192656995, ClinGen allele CA359533792.